The following is an entry in ClinVar:

NM_001378452.1(ITPR1):c.1887-3T>C

Gene: ITPR1 (inositol 1,4,5-trisphosphate receptor type 1; plus strand). Cytogenetic location: 3p26.1.
Variant type: single nucleotide variant.
Coding change: c.1887-3T>C on transcript NM_001378452.1 (MANE Select); 3 bases into the intron before coding-DNA position 1887, T replaced by C.
Molecular consequence: intron variant.
Genome position (GRCh38, 1-based): chr3:4,669,651, T>C. VCF-style: chr3-4669651-T-C. GRCh37 (hg19) VCF-style: chr3-4711335-T-C.
Other names: c.1887-3T>C (NM_001099952.4); c.1842-3T>C (NM_001168272.2, NM_002222.7).
Identifiers: ClinVar variation 2179847 (VCV002179847.12), dbSNP rs1189879446, ClinGen allele CA540806332.

ClinVar aggregate classification (germline): Conflicting classifications of pathogenicity. Review status: criteria provided, conflicting classifications (1 of 4 stars). 2 submissions from 2 submitters: Uncertain significance (1); Likely benign (1). Last evaluated 2025-06-01.

Allele frequency attached by ClinVar (database versions not stated): gnomAD exomes below 0.00001; gnomAD 0.00001; TOPMed 0.00001.
gnomAD v4.1: 4 of 1,610,522 alleles (0.00025%); highest among the groups gnomAD compares: Non-Finnish European, 0.00034%; no homozygotes.

Submissions (2):

CeGaT Center for Human Genetics Tuebingen
Classification: Likely benign. Last evaluated: 2025-06-01. Review status: criteria provided, single submitter. Criteria: CeGaT Center For Human Genetics Tuebingen Variant Classification Criteria Version 2. Collection method: clinical testing. Allele origin: germline. Affected: yes. Observed: 1 variant allele.
Comment: ITPR1: BP4

Labcorp Genetics (formerly Invitae), Labcorp
Classification: Uncertain significance. Last evaluated: 2022-09-25. Review status: criteria provided, single submitter. Criteria: Invitae Variant Classification Sherloc (09022015). Collection method: clinical testing. Allele origin: germline.
Comment: This sequence change falls in intron 17 of the ITPR1 gene. It does not directly change the encoded amino acid sequence of the ITPR1 protein. It affects a nucleotide within the consensus splice site. This variant is present in population databases (no rsID available, gnomAD 0.0009%). This variant has not been reported in the literature in individuals affected with ITPR1-related conditions. Variants that disrupt the consensus splice site are a relatively common cause of aberrant splicing (PMID: 17576681, 9536098). Algorithms developed to predict the effect of sequence changes on RNA splicing suggest that this variant is not likely to affect RNA splicing. In summary, the available evidence is currently insufficient to determine the role of this variant in disease. Therefore, it has been classified as a Variant of Uncertain Significance.

Literature cited by the submitters: PubMed 17576681 (cited by Labcorp Genetics (formerly Invitae), Labcorp); PubMed 9536098 (cited by Labcorp Genetics (formerly Invitae), Labcorp).